The following is an entry in ClinVar:

NM_001369268.1(ACAN):c.6535A>G (p.Thr2179Ala)

Gene: ACAN (aggrecan; plus strand). Cytogenetic location: 15q26.1.
Variant type: single nucleotide variant.
Coding change: c.6535A>G on transcript NM_001369268.1 (MANE Select); coding-DNA position 6535, A replaced by G.
Protein change: p.Thr2179Ala; replaces threonine 2179 with alanine.
Molecular consequence: missense variant.
Genome position (GRCh38, 1-based): chr15:88,859,120, A>G. VCF-style: chr15-88859120-A-G. GRCh37 (hg19) VCF-style: chr15-89402351-A-G.
Other names: c.6535A>G, p.Thr2179Ala (NM_001135.4, NM_013227.4); short protein forms T2179A.
Identifiers: ClinVar variation 1299235 (VCV001299235.1), dbSNP rs2141613132, ClinGen allele CA393727450.

ClinVar aggregate classification (germline): Uncertain significance (1 of 4 stars; one submission).

Conditions:
Osteochondritis dissecans. Identifiers: Orphanet 251262, Orphanet 2764, MedGen C0029421, MONDO:0017178, HP:0010886.

Submission:

Breda Genetics srl
Classification: Uncertain significance for Short stature and advanced bone age, with or without early-onset osteoarthritis and/or osteochondritis dissecans. Last evaluated: 2021-01-12. Review status: criteria provided, single submitter. Criteria: ACMG Guidelines, 2015. Collection method: clinical testing. Allele origin: germline. Inheritance: Autosomal dominant inheritance. Affected: yes. Observed: 1 variant allele, 1 heterozygote.
Comment: Based on allele frequency, in-silico prediction scores and a certain overlap with the clinical phenotype, we interpreted this variant at least as of uncertain significance. The lack of one or more of the following features has discouraged further investigations: lack of a possible second hit in autosomal recessive conditions, presence of healthy controls in databases for autosomal dominant conditions, presence of unmatching cardinal clinical features in the patient or in the known gene-disease association, and/or variant type outside the known gene mutational spectrum.